The following is an entry in ClinVar:

ClinVar aggregate classification (germline): Uncertain significance (1 of 4 stars; one submission).

Submission:

Labcorp Genetics (formerly Invitae), Labcorp
Classification: Uncertain significance. Last evaluated: 2022-06-19. Review status: criteria provided, single submitter. Criteria: Invitae Variant Classification Sherloc (09022015). Collection method: clinical testing. Allele origin: germline.
Comment: In summary, the available evidence is currently insufficient to determine the role of this variant in disease. Therefore, it has been classified as a Variant of Uncertain Significance. This variant has not been reported in the literature in individuals affected with LCT-related conditions. A copy number gain of the genomic region encompassing the full coding sequence of the LCT gene has been identified. The boundaries of this event are unknown as they extend beyond the assayed region for this gene and therefore may encompass additional genes. As the precise location of this event is unknown, it may be in tandem or it may be located elsewhere in the genome.

NC_000002.11:g.(?_136545894)_(136875630_?)dup

Genes: CXCR4 (C-X-C motif chemokine receptor 4; minus strand), DARS1 (aspartyl-tRNA synthetase 1; minus strand), LCT (lactase; minus strand), MCM6 (minichromosome maintenance complex component 6; minus strand). Cytogenetic location: 2q21.3-22.1.
Variant type: Duplication.
Identifiers: ClinVar variation 2424395 (VCV002424395.4).